The following is an entry in ClinVar:

ClinVar aggregate classification (germline): Uncertain significance. Review status: criteria provided, multiple submitters, no conflicts (2 of 4 stars). 2 submissions from 2 submitters: Uncertain significance (2). Last evaluated 2022-10-25.

Conditions:
Hereditary cancer-predisposing syndrome. Also called: Hereditary Cancer Syndrome; Hereditary neoplastic syndrome; Tumor predisposition; Neoplastic Syndromes, Hereditary. Identifiers: Orphanet 140162, MedGen C0027672, MeSH D009386, MONDO:0015356.
Bloom syndrome (BLM). Also called: Bloom-Torre-Machacek syndrome. Identifiers: Orphanet 125, MedGen C0005859, MONDO:0008876, OMIM 210900.

Allele frequency attached by ClinVar (database versions not stated): gnomAD exomes below 0.00001.
gnomAD v4.1: 2 of 1,592,764 alleles (0.00013%); highest among the groups gnomAD compares: Non-Finnish European, 0.00017%; no homozygotes.

Submissions (2):

Labcorp Genetics (formerly Invitae), Labcorp
Classification: Uncertain significance for Bloom syndrome. Last evaluated: 2022-10-25. Review status: criteria provided, single submitter. Criteria: Invitae Variant Classification Sherloc (09022015). Collection method: clinical testing. Allele origin: germline.
Comment: This sequence change replaces isoleucine, which is neutral and non-polar, with valine, which is neutral and non-polar, at codon 759 of the BLM protein (p.Ile759Val). This variant is not present in population databases (gnomAD no frequency). This variant has not been reported in the literature in individuals affected with BLM-related conditions. Advanced modeling of protein sequence and biophysical properties (such as structural, functional, and spatial information, amino acid conservation, physicochemical variation, residue mobility, and thermodynamic stability) performed at Invitae indicates that this missense variant is not expected to disrupt BLM protein function. In summary, the available evidence is currently insufficient to determine the role of this variant in disease. Therefore, it has been classified as a Variant of Uncertain Significance.

Ambry Genetics
Classification: Uncertain significance for Hereditary cancer-predisposing syndrome. Last evaluated: 2021-07-16. Review status: criteria provided, single submitter. Criteria: Ambry Variant Classification Scheme 2023. Collection method: clinical testing. Allele origin: germline.
Comment: The p.I759V variant (also known as c.2275A>G), located in coding exon 9 of the BLM gene, results from an A to G substitution at nucleotide position 2275. The isoleucine at codon 759 is replaced by valine, an amino acid with highly similar properties. This amino acid position is conserved. In addition, this alteration is predicted to be tolerated by in silico analysis. Since supporting evidence is limited at this time, the clinical significance of this alteration remains unclear.

NM_000057.4(BLM):c.2275A>G (p.Ile759Val)

Gene: BLM (BLM RecQ like helicase; plus strand). Cytogenetic location: 15q26.1.
Variant type: single nucleotide variant.
Coding change: c.2275A>G on transcript NM_000057.4 (MANE Select); coding-DNA position 2275, A replaced by G.
Protein change: p.Ile759Val; replaces isoleucine 759 with valine.
Molecular consequence: missense variant.
Genome position (GRCh38, 1-based): chr15:90,766,991, A>G. VCF-style: chr15-90766991-A-G. GRCh37 (hg19) VCF-style: chr15-91310221-A-G.
Other names: c.2275A>G, p.Ile759Val (NM_001287246.2, NM_001287247.2); c.1150A>G, p.Ile384Val (NM_001287248.2); short protein forms I384V, I759V.
Identifiers: ClinVar variation 1788845 (VCV001788845.5), dbSNP rs1896149719, ClinGen allele CA393844939.
Genomic context (GRCh38, chr15:90,766,991, plus strand): 5'-GGTGATAAGACTGACTCAGAAGCTACAAATATTTACCTCCAGTTATCAAAAAAAGACCCA[A>G]TCATAAAACTTCTATATGTCACTCCAGAAAAGGTTTGTATTTATATCATTATTTTAAAAT-3'
Protein context (NP_000048.1, residues 749-769): IYLQLSKKDP[Ile759Val]IKLLYVTPEK